The following is an entry in ClinVar:

ClinVar aggregate classification (germline): Uncertain significance (1 of 4 stars; one submission).

Submission:

GeneDx
Classification: Uncertain significance. Last evaluated: 2024-12-26. Review status: criteria provided, single submitter. Criteria: GeneDx Variant Classification Process June 2021. Collection method: clinical testing. Allele origin: germline. Affected: yes.
Comment: Not observed at significant frequency in large population cohorts (gnomAD); In-frame duplication of 1 amino acid in a non-repeat region; Has not been previously published as pathogenic or benign to our knowledge

NM_005901.6(SMAD2):c.649_651dup (p.Ile217_Pro218insIle)

Gene: SMAD2 (SMAD family member 2; minus strand). Cytogenetic location: 18q21.1.
Variant type: Duplication.
Coding change: c.649_651dup on transcript NM_005901.6 (MANE Select); coding-DNA positions 649 to 651, 3 bases duplicated (ATT; older notation c.649_651dupATT).
Protein change: p.Ile217_Pro218insIle.
Genome position (GRCh38, 1-based): chr18:47,868,327-47,868,329, AAT duplicated on the plus strand (ATT on the coding strand, the reverse complement: SMAD2 is on the minus strand); duplicating any 3 consecutive bases within chr18:47,868,327-47,868,330 gives the same sequence; the c. name uses the placement nearest the transcript's 3' end. VCF-style (leftmost placement, unchanged base first): chr18-47868326-G-GAAT. GRCh37 (hg19) VCF-style: chr18-45394697-G-GAAT.
Other names: c.649_651dup, p.Ile217_Pro218insIle (NM_001003652.4); c.559_561dup, p.Ile187_Pro188insIle (NM_001135937.3).
Identifiers: ClinVar variation 3907994 (VCV003907994.1).
Genomic context (GRCh38, chr18:47,868,326, plus strand): 5'-CTTATGAACAAAATTTGTATCTATCCAAGTTTTAGGAGATTCAGAAGGCAAAAATACCTG[G>GAAT]AATATAATTACTCTGTGGCTCAATTCCTGCTGGGAAGTTAGTGTTTTCTGGAATGGAGTG-3'